The following is an entry in ClinVar:

ClinVar aggregate classification (germline): Likely benign (0 of 4 stars; one submission).

Conditions:
RIMS1-related disorder. Also called: RIMS1-related condition.

Allele frequency attached by ClinVar (database versions not stated): gnomAD 0.00003; gnomAD exomes 0.00011.
gnomAD v4.1: 118 of 1,187,636 alleles (0.0099%); highest among the groups gnomAD compares: Non-Finnish European, 0.015%; no homozygotes.

Submission:

PreventionGenetics, part of Exact Sciences
Classification: Likely benign for RIMS1-related condition. Last evaluated: 2019-11-22. Review status: no assertion criteria provided. Collection method: clinical testing. Allele origin: germline.
Comment: This variant is classified as likely benign based on ACMG/AMP sequence variant interpretation guidelines (Richards et al. 2015 PMID: 25741868, with internal and published modifications).

NM_014989.7(RIMS1):c.471+70C>T

Gene: RIMS1 (regulating synaptic membrane exocytosis 1; plus strand). Cytogenetic location: 6q13.
Variant type: single nucleotide variant.
Coding change: c.471+70C>T on transcript NM_014989.7 (MANE Select); 70 bases into the intron after coding-DNA position 471, C replaced by T.
Molecular consequence: intron variant. On other transcripts: 3 prime UTR variant (3).
Genome position (GRCh38, 1-based): chr6:72,100,056, C>T. VCF-style: chr6-72100056-C-T. GRCh37 (hg19) VCF-style: chr6-72809759-C-T.
Other names: c.*7C>T (NM_001350411.1, NM_001350412.1, NM_001350413.1).
Identifiers: ClinVar variation 3040383 (VCV003040383.2), dbSNP rs1042297490, ClinGen allele CA141408362.
Genomic context (GRCh38, chr6:72,100,056, plus strand): 5'-CATACTTTCTTTTCTATCATTTGTTATTGTATTGTTGTGAACTTTATTAAGTGAATGTTG[C>T]ACCTAGTATTGTTAATAACTATATTTCACAAGAAATTATATACTAGGAAGAGCTCATTTC-3'